The following is an entry in ClinVar:

ClinVar aggregate classification (germline): Likely pathogenic (1 of 4 stars; one submission).

Conditions:
Developmental and epileptic encephalopathy, 19 (DEE19). Also called: Epileptic encephalopathy, early infantile, 19. Identifiers: Orphanet 33069, MedGen C3810400, MONDO:0014328, OMIM 615744.

Submission:

Institute of Human Genetics, FAU Erlangen, Friedrich-Alexander-Universität Erlangen-Nürnberg
Classification: Likely pathogenic for Developmental and epileptic encephalopathy, 19. Last evaluated: 2025-11-25. Review status: criteria provided, single submitter. Criteria: Hauer et al. (Genet Med. 2018). Collection method: clinical testing. Allele origin: germline. Inheritance: Autosomal dominant inheritance. Affected: yes. Observed: 1 variant allele.
Comment: This variant has been identified by standard clinical testing. PM2-supporting, PP3-moderate, PP2-supporting, PS2-moderate Selected ACMG criteria: Likely pathogenic (II):PP3;PP2;PM2;PS2

NM_001127644.2(GABRA1):c.226A>T (p.Ser76Cys)

Gene: GABRA1 (gamma-aminobutyric acid type A receptor subunit alpha1; plus strand). Cytogenetic location: 5q34.
Variant type: single nucleotide variant.
Coding change: c.226A>T on transcript NM_001127644.2 (MANE Select); coding-DNA position 226, A replaced by T.
Protein change: p.Ser76Cys; replaces serine 76 with cysteine.
Molecular consequence: missense variant.
Genome position (GRCh38, 1-based): chr5:161,865,759, A>T. VCF-style: chr5-161865759-A-T. GRCh37 (hg19) VCF-style: chr5-161292765-A-T.
Other names: c.226A>T, p.Ser76Cys (NM_000806.5, NM_001127643.2, NM_001127645.2 and 1 more transcripts); short protein forms S76C.
Identifiers: ClinVar variation 4530665 (VCV004530665.1).
Genomic context (GRCh38, chr5:161,865,759, plus strand): 5'-GCCCAATTTCCTGCTTCAACAGAGCGTGTAACCGAAGTGAAGACTGATATCTTCGTCACC[A>T]GTTTCGGACCCGTTTCAGACCATGATATGGTAAGTGGACACTTTATCTTTGCTTTTCTTG-3'
Protein context (NP_001121116.1, residues 66-86): TEVKTDIFVT[Ser76Cys]FGPVSDHDME